The following is an entry in ClinVar:

NM_000551.4(VHL):c.70G>C (p.Gly24Arg)

Gene: VHL (von Hippel-Lindau tumor suppressor; plus strand). Cytogenetic location: 3p25.3.
Variant type: single nucleotide variant.
Coding change: c.70G>C on transcript NM_000551.4 (MANE Select); coding-DNA position 70, G replaced by C.
Protein change: p.Gly24Arg; replaces glycine 24 with arginine.
Molecular consequence: missense variant.
Genome position (GRCh38, 1-based): chr3:10,141,917, G>C. VCF-style: chr3-10141917-G-C. GRCh37 (hg19) VCF-style: chr3-10183601-G-C.
Other names: c.70G>C, p.Gly24Arg (NM_001354723.2, NM_198156.3); c.70G>C (NM_000551.3); short protein forms G24R.
Identifiers: ClinVar variation 1372717 (VCV001372717.7), dbSNP rs1438223626, ClinGen allele CA351747414.
Genomic context (GRCh38, chr3:10,141,917, plus strand): 5'-AGGGCGGAGAACTGGGACGAGGCCGAGGTAGGCGCGGAGGAGGCAGGCGTCGAAGAGTAC[G>C]GCCCTGAAGAAGACGGCGGGGAGGAGTCGGGCGCCGAGGAGTCCGGCCCGGAAGAGTCCG-3'
Protein context (NP_000542.1, residues 14-34): GAEEAGVEEY[Gly24Arg]PEEDGGEESG

ClinVar aggregate classification (germline): Uncertain significance. Review status: criteria provided, multiple submitters, no conflicts (2 of 4 stars). 2 submissions from 2 submitters: Uncertain significance (2). Last evaluated 2023-10-26.

Conditions:
Hereditary cancer-predisposing syndrome. Also called: Hereditary neoplastic syndrome; Hereditary Cancer Syndrome; Neoplastic Syndromes, Hereditary; Tumor predisposition. Identifiers: Orphanet 140162, MedGen C0027672, MeSH D009386, MONDO:0015356.
Chuvash polycythemia. Also called: POLYCYTHEMIA, VHL-DEPENDENT. Identifiers: Orphanet 238557, MedGen C1837915, MONDO:0009892, OMIM 263400.
Von Hippel-Lindau syndrome (VHLS). Also called: Von Hippel-Lindau; von Hippel–Lindau syndrome; VHL syndrome. Identifiers: Orphanet 892, MedGen C0019562, MONDO:0008667, OMIM 193300. Disease mechanism: loss of function.

Submissions (2):

Labcorp Genetics (formerly Invitae), Labcorp
Classification: Uncertain significance for Von Hippel-Lindau syndrome; Chuvash polycythemia. Last evaluated: 2023-10-26. Review status: criteria provided, single submitter. Criteria: Invitae Variant Classification Sherloc (09022015). Collection method: clinical testing. Allele origin: germline.
Comment: This sequence change replaces glycine, which is neutral and non-polar, with arginine, which is basic and polar, at codon 24 of the VHL protein (p.Gly24Arg). This variant is not present in population databases (gnomAD no frequency). This variant has not been reported in the literature in individuals affected with VHL-related conditions. ClinVar contains an entry for this variant (Variation ID: 1372717). Advanced modeling of protein sequence and biophysical properties (such as structural, functional, and spatial information, amino acid conservation, physicochemical variation, residue mobility, and thermodynamic stability) performed at Invitae indicates that this missense variant is not expected to disrupt VHL protein function with a negative predictive value of 95%. In summary, the available evidence is currently insufficient to determine the role of this variant in disease. Therefore, it has been classified as a Variant of Uncertain Significance.

Ambry Genetics
Classification: Uncertain significance for Hereditary cancer-predisposing syndrome. Last evaluated: 2023-01-18. Review status: criteria provided, single submitter. Criteria: Ambry Variant Classification Scheme 2023. Collection method: clinical testing. Allele origin: germline.
Comment: The p.G24R variant (also known as c.70G>C), located in coding exon 1 of the VHL gene, results from a G to C substitution at nucleotide position 70. The glycine at codon 24 is replaced by arginine, an amino acid with dissimilar properties. This amino acid position is well conserved on limited sequence alignment. In addition, the in silico prediction for this alteration is inconclusive. Since supporting evidence is limited at this time, the clinical significance of this alteration remains unclear.